The following is an entry in ClinVar:

ClinVar aggregate classification (germline): Uncertain significance (1 of 4 stars; one submission).

Allele frequency attached by ClinVar (database versions not stated): gnomAD exomes below 0.00001.

Submission:

Labcorp Genetics (formerly Invitae), Labcorp
Classification: Uncertain significance. Last evaluated: 2023-04-11. Review status: criteria provided, single submitter. Criteria: Invitae Variant Classification Sherloc (09022015). Collection method: clinical testing. Allele origin: germline.
Comment: In summary, the available evidence is currently insufficient to determine the role of this variant in disease. Therefore, it has been classified as a Variant of Uncertain Significance. An algorithm developed to predict the effect of missense changes on protein structure and function (PolyPhen-2) suggests that this variant is likely to be disruptive. This variant has not been reported in the literature in individuals affected with PRPF31-related conditions. This variant is not present in population databases (gnomAD no frequency). This sequence change replaces proline, which is neutral and non-polar, with leucine, which is neutral and non-polar, at codon 130 of the PRPF31 protein (p.Pro130Leu).

NM_015629.4(PRPF31):c.389C>T (p.Pro130Leu)

Genes: PRPF31 (pre-mRNA processing factor 31; plus strand), PRPF31-AS1 (PRPF31 antisense RNA 1; minus strand). Cytogenetic location: 19q13.42.
Variant type: single nucleotide variant.
Coding change: c.389C>T on transcript NM_015629.4 (MANE Select); coding-DNA position 389, C replaced by T.
Protein change: p.Pro130Leu; replaces proline 130 with leucine.
Molecular consequence: missense variant. On other transcripts: non-coding transcript variant (1).
Genome position (GRCh38, 1-based): chr19:54,122,563, C>T. VCF-style: chr19-54122563-C-T. GRCh37 (hg19) VCF-style: chr19-54625942-C-T.
Other names: short protein forms P130L.
Identifiers: ClinVar variation 2790094 (VCV002790094.3), dbSNP rs2516126863, ClinGen allele CA407750016.